The following is an entry in ClinVar:

ClinVar aggregate classification (germline): Uncertain significance. Review status: criteria provided, multiple submitters, no conflicts (2 of 4 stars). 2 submissions from 2 submitters: Uncertain significance (2). Last evaluated 2023-09-17.

Conditions:
Cardiomyopathy (CMYO). Also called: Cardiomyopathies. Identifiers: Orphanet 167848, MedGen C0878544, MONDO:0004994, HP:0001638. Inheritance: Various modes of inheritance.
Arrhythmogenic cardiomyopathy with wooly hair and keratoderma. Also called: PALMOPLANTAR KERATODERMA WITH LEFT VENTRICULAR CARDIOMYOPATHY AND WOOLLY HAIR; Dilated cardiomyopathy with woolly hair and keratoderma; Arrhythmogenic cardiomyopathy with woolly hair and keratoderma; Carvajal syndrome. Identifiers: Orphanet 65282, MedGen C1854063, MONDO:0011581, OMIM 605676.

Allele frequency attached by ClinVar (database versions not stated): TOPMed below 0.00001.
gnomAD v4.1: 2 of 1,609,648 alleles (0.00012%); highest among the groups gnomAD compares: Non-Finnish European, 0.00017%; no homozygotes.

Submissions (2):

All of Us Research Program, National Institutes of Health
Classification: Uncertain significance for Arrhythmogenic cardiomyopathy with wooly hair and keratoderma. Last evaluated: 2023-09-17. Review status: criteria provided, single submitter. Criteria: ACMG Guidelines, 2015. Collection method: clinical testing. Allele origin: germline. Inheritance: Autosomal dominant inheritance. Observed: 1 variant allele, 1 heterozygote.
Comment: This missense variant replaces glycine with alanine at codon 2836 of the DSP protein. Computational prediction suggests that this variant may not impact protein structure and function (internally defined REVEL score threshold <= 0.5, PMID: 27666373). To our knowledge, functional studies have not been reported for this variant. This variant has not been reported in individuals affected with DSP-related disorders in the literature. This variant has not been identified in the general population by the Genome Aggregation Database (gnomAD). The available evidence is insufficient to determine the role of this variant in disease conclusively. Therefore, this variant is classified as a Variant of Uncertain Significance.

This study involves interpretation of variants in research participants for the purpose of population health screening. Participant phenotype was not available at the time of variant classification. Additional details can be found in publication PMID: 35346344, PMCID: PMC8962531

Color Diagnostics, LLC DBA Color Health
Classification: Uncertain significance for Cardiomyopathy. Last evaluated: 2022-12-24. Review status: criteria provided, single submitter. Criteria: ACMG Guidelines, 2015. Collection method: clinical testing. Allele origin: germline.
Comment: This missense variant replaces glycine with alanine at codon 2836 of the DSP protein. Computational prediction suggests that this variant may not impact protein structure and function (internally defined REVEL score threshold <= 0.5, PMID: 27666373). To our knowledge, functional studies have not been reported for this variant. This variant has not been reported in individuals affected with DSP-related disorders in the literature. This variant has not been identified in the general population by the Genome Aggregation Database (gnomAD). The available evidence is insufficient to determine the role of this variant in disease conclusively. Therefore, this variant is classified as a Variant of Uncertain Significance.

NM_004415.4(DSP):c.8507G>C (p.Gly2836Ala)

Gene: DSP (desmoplakin; plus strand). Cytogenetic location: 6p24.3.
Variant type: single nucleotide variant.
Coding change: c.8507G>C on transcript NM_004415.4 (MANE Select); coding-DNA position 8507, G replaced by C.
Protein change: p.Gly2836Ala; replaces glycine 2836 with alanine.
Molecular consequence: missense variant.
Genome position (GRCh38, 1-based): chr6:7,585,769, G>C. VCF-style: chr6-7585769-G-C. GRCh37 (hg19) VCF-style: chr6-7586002-G-C.
Other names: c.6710G>C, p.Gly2237Ala (NM_001008844.3); c.7178G>C, p.Gly2393Ala (NM_001319034.2); short protein forms G2237A, G2393A, G2836A.
Identifiers: ClinVar variation 2775388 (VCV002775388.3), dbSNP rs764232504, ClinGen allele CA362695278.